The following is an entry in ClinVar:

NM_022356.4(P3H1):c.1670C>T (p.Thr557Met)

Gene: P3H1 (prolyl 3-hydroxylase 1; minus strand). Cytogenetic location: 1p34.2.
Variant type: single nucleotide variant.
Coding change: c.1670C>T on transcript NM_022356.4 (MANE Select); coding-DNA position 1670, C replaced by T.
Protein change: p.Thr557Met; replaces threonine 557 with methionine.
Molecular consequence: missense variant.
Genome position (GRCh38, 1-based): chr1:42,750,236, G>A on the plus strand (C>T on the coding strand, the complement: P3H1 is on the minus strand). VCF-style: chr1-42750236-G-A. GRCh37 (hg19) VCF-style: chr1-43215907-G-A.
Other names: c.1670C>T, p.Thr557Met (NM_001146289.2, NM_001243246.2); short protein forms T557M.
Identifiers: ClinVar variation 654893 (VCV000654893.6), dbSNP rs762603538, ClinGen allele CA801743.

ClinVar aggregate classification (germline): Uncertain significance (1 of 4 stars; one submission).

Conditions:
Osteogenesis imperfecta type 8 (OI8). Identifiers: MedGen C1970458, MONDO:0012581, OMIM 610915.

Allele frequency attached by ClinVar (database versions not stated): gnomAD 0.00001; TOPMed 0.00002.
gnomAD v4.1: 46 of 1,613,588 alleles (0.0029%); highest among the groups gnomAD compares: Non-Finnish European, 0.0037%; no homozygotes.

Submission:

Labcorp Genetics (formerly Invitae), Labcorp
Classification: Uncertain significance for Osteogenesis imperfecta type 8. Last evaluated: 2022-06-20. Review status: criteria provided, single submitter. Criteria: Invitae Variant Classification Sherloc (09022015). Collection method: clinical testing. Allele origin: germline.
Comment: This sequence change replaces threonine, which is neutral and polar, with methionine, which is neutral and non-polar, at codon 557 of the P3H1 protein (p.Thr557Met). This variant is present in population databases (rs762603538, gnomAD 0.0009%). This variant has not been reported in the literature in individuals affected with P3H1-related conditions. ClinVar contains an entry for this variant (Variation ID: 654893). Algorithms developed to predict the effect of missense changes on protein structure and function are either unavailable or do not agree on the potential impact of this missense change (SIFT: "Deleterious"; PolyPhen-2: "Possibly Damaging"; Align-GVGD: "Class C0"). In summary, the available evidence is currently insufficient to determine the role of this variant in disease. Therefore, it has been classified as a Variant of Uncertain Significance.